The following is an entry in ClinVar:

ClinVar aggregate classification (germline): Pathogenic (1 of 4 stars; one submission).

Conditions:
Multiple congenital exostosis (EXT). Also called: Multiple exostoses; Hereditary multiple exostoses; Hereditary multiple exostosis; Hereditary multiple osteochondromas; MULTIPLE CARTILAGINOUS EXOSTOSES; Multiple osteochondromas. Identifiers: Orphanet 321, MedGen C0015306, MONDO:0005508, HP:0002762.

Allele frequency attached by ClinVar (database versions not stated): TOPMed 0.00001.

Submission:

Labcorp Genetics (formerly Invitae), Labcorp
Classification: Pathogenic for Multiple congenital exostosis. Last evaluated: 2022-10-21. Review status: criteria provided, single submitter. Criteria: Invitae Variant Classification Sherloc (09022015). Collection method: clinical testing. Allele origin: germline.
Comment: This variant is not present in population databases (gnomAD no frequency). This premature translational stop signal has been observed in individual(s) with osteochondromas (PMID: 11668521). It has also been observed to segregate with disease in related individuals. ClinVar contains an entry for this variant (Variation ID: 941864). For these reasons, this variant has been classified as Pathogenic. This sequence change creates a premature translational stop signal (p.Asn441*) in the EXT1 gene. It is expected to result in an absent or disrupted protein product. Loss-of-function variants in EXT1 are known to be pathogenic (PMID: 10679937, 11391482, 19810120).

Literature cited by the submitters: PubMed 11668521; PubMed 10679937; PubMed 11391482; PubMed 19810120.

NM_000127.3(EXT1):c.1320dup (p.Asn441Ter)

Gene: EXT1 (exostosin glycosyltransferase 1; minus strand). Cytogenetic location: 8q24.11.
Variant type: Duplication.
Coding change: c.1320dup on transcript NM_000127.3 (MANE Select); coding-DNA position 1320, one base duplicated (T; older notation c.1320dupT).
Protein change: p.Asn441Ter; replaces asparagine 441 with a stop codon.
Molecular consequence: nonsense.
Genome position (GRCh38, 1-based): chr8:117,822,562, A duplicated on the plus strand (T on the coding strand, the reverse complement: EXT1 is on the minus strand). VCF-style (leftmost placement, unchanged base first): chr8-117822561-T-TA. GRCh37 (hg19) VCF-style: chr8-118834800-T-TA.
Other names: short protein forms N441*.
Identifiers: ClinVar variation 941864 (VCV000941864.9), dbSNP rs1811942900, ClinGen allele CA1139660729.